The following is an entry in ClinVar:

ClinVar aggregate classification (germline): Uncertain significance (1 of 4 stars; one submission).

Conditions:
Neuropathy, hereditary sensory and autonomic, type 2A (HSAN2A). Also called: WNK1-Related HSAN2 (HSAN2A); ACROOSTEOLYSIS, GIACCAI TYPE; ACROOSTEOLYSIS, NEUROGENIC; MORVAN DISEASE; NEUROPATHY, CONGENITAL SENSORY; NEUROPATHY, HEREDITARY SENSORY RADICULAR, AUTOSOMAL RECESSIVE. Identifiers: Orphanet 970, MedGen C2752089, MONDO:0024309, OMIM 201300.
Pseudohypoaldosteronism type 2C (PHA2C). Also called: Pseudohypoaldosteronism Type IIC. Identifiers: Orphanet 757, Orphanet 88940, MedGen C1840391, MONDO:0013778, OMIM 614492.

Submission:

Labcorp Genetics (formerly Invitae), Labcorp
Classification: Uncertain significance for Neuropathy, hereditary sensory and autonomic, type 2A; Pseudohypoaldosteronism type 2C. Last evaluated: 2025-02-10. Review status: criteria provided, single submitter. Criteria: Invitae Variant Classification Sherloc (09022015). Collection method: clinical testing. Allele origin: germline.
Comment: This sequence change replaces valine, which is neutral and non-polar, with leucine, which is neutral and non-polar, at codon 2146 of the WNK1 protein (p.Val2146Leu). This variant is not present in population databases (gnomAD no frequency). This variant has not been reported in the literature in individuals affected with WNK1-related conditions. Invitae Evidence Modeling of protein sequence and biophysical properties (such as structural, functional, and spatial information, amino acid conservation, physicochemical variation, residue mobility, and thermodynamic stability) indicates that this missense variant is not expected to disrupt WNK1 protein function with a negative predictive value of 95%. In summary, the available evidence is currently insufficient to determine the role of this variant in disease. Therefore, it has been classified as a Variant of Uncertain Significance.

NM_018979.4(WNK1):c.5680G>T (p.Val1894Leu)

Gene: WNK1 (WNK lysine deficient protein kinase 1; plus strand). Cytogenetic location: 12p13.33.
Variant type: single nucleotide variant.
Coding change: c.5680G>T on transcript NM_018979.4 (MANE Select); coding-DNA position 5680, G replaced by T.
Protein change: p.Val1894Leu; replaces valine 1894 with leucine.
Molecular consequence: missense variant.
Genome position (GRCh38, 1-based): chr12:896,167, G>T. VCF-style: chr12-896167-G-T. GRCh37 (hg19) VCF-style: chr12-1005333-G-T.
Other names: c.6460G>T, p.Val2154Leu (NM_001184985.2); c.4936G>T, p.Val1646Leu (NM_014823.3); c.6436G>T, p.Val2146Leu (NM_213655.5); short protein forms V1894L, V2146L, V2154L, V1646L.
Identifiers: ClinVar variation 4790196 (VCV004790196.1).